The following is an entry in ClinVar:

ClinVar aggregate classification (germline): Uncertain significance (1 of 4 stars; one submission).

Allele frequency attached by ClinVar (database versions not stated): ExAC 0.00001; gnomAD exomes 0.00001.
gnomAD v4.1: 6 of 1,614,016 alleles (0.00037%); highest among the groups gnomAD compares: Non-Finnish European, 0.00051%; no homozygotes.

Submission:

GeneDx
Classification: Uncertain significance. Last evaluated: 2022-11-25. Review status: criteria provided, single submitter. Criteria: GeneDx Variant Classification Process June 2021. Collection method: clinical testing. Allele origin: germline. Affected: yes.
Comment: Not observed at significant frequency in large population cohorts (gnomAD); In silico analysis supports that this missense variant does not alter protein structure/function; Has not been previously published as pathogenic or benign to our knowledge

NM_005215.4(DCC):c.3506C>G (p.Ser1169Cys)

Gene: DCC (DCC netrin 1 receptor; plus strand). Cytogenetic location: 18q21.2.
Variant type: single nucleotide variant.
Coding change: c.3506C>G on transcript NM_005215.4 (MANE Select); coding-DNA position 3506, C replaced by G.
Protein change: p.Ser1169Cys; replaces serine 1169 with cysteine.
Molecular consequence: missense variant.
Genome position (GRCh38, 1-based): chr18:53,459,345, C>G. VCF-style: chr18-53459345-C-G. GRCh37 (hg19) VCF-style: chr18-50985715-C-G.
Other names: short protein forms S1169C.
Identifiers: ClinVar variation 2503376 (VCV002503376.1), dbSNP rs766901290, ClinGen allele CA8967531.